The following is an entry in ClinVar:

ClinVar aggregate classification (germline): Uncertain significance. Review status: criteria provided, multiple submitters, no conflicts (2 of 4 stars). 3 submissions from 3 submitters: Uncertain significance (2). 1 of the submissions does not count toward it. Last evaluated 2022-08-09.

Conditions:
Nemaline myopathy 2 (NEM2). Also called: Nemaline myopathy 2, autosomal recessive. Identifiers: MedGen C1850569, MONDO:0009725, OMIM 256030.

Allele frequency attached by ClinVar (database versions not stated): gnomAD 0.00009 and 0.00019; gnomAD exomes 0.00023; TOPMed 0.00024; ExAC 0.00031; 1000 Genomes Project 30x 0.00109; 1000 Genomes Project 0.00120.
gnomAD v4.1: 373 of 1,614,010 alleles (0.023%); highest among the groups gnomAD compares: East Asian, 0.56%; 1 homozygote.

Submissions (3):

Labcorp Genetics (formerly Invitae), Labcorp
Classification: Uncertain significance for Nemaline myopathy 2. Last evaluated: 2022-08-09. Review status: criteria provided, single submitter. Criteria: Invitae Variant Classification Sherloc (09022015). Collection method: clinical testing. Allele origin: germline.
Comment: This sequence change replaces lysine, which is basic and polar, with asparagine, which is neutral and polar, at codon 3342 of the NEB protein (p.Lys3342Asn). This variant is present in population databases (rs117636679, gnomAD 0.1%). This variant has not been reported in the literature in individuals affected with NEB-related conditions. ClinVar contains an entry for this variant (Variation ID: 568797). Algorithms developed to predict the effect of missense changes on protein structure and function are either unavailable or do not agree on the potential impact of this missense change (SIFT: "Deleterious"; PolyPhen-2: "Not Available"; Align-GVGD: "Class C0"). In summary, the available evidence is currently insufficient to determine the role of this variant in disease. Therefore, it has been classified as a Variant of Uncertain Significance.

Revvity Omics, Revvity
Classification: Uncertain significance. Last evaluated: 2019-10-16. Review status: criteria provided, single submitter. Criteria: ACMG Guidelines, 2015. Collection method: clinical testing. Allele origin: germline.

Natera, Inc.
Classification: Uncertain significance for Nemaline myopathy type 2. Last evaluated: 2019-11-11. Review status: no assertion criteria provided. Collection method: clinical testing. Allele origin: germline. Not counted in ClinVar's aggregate classification.

NM_001164508.2(NEB):c.10026G>C (p.Lys3342Asn)

Gene: NEB (nebulin; minus strand). Cytogenetic location: 2q23.3.
Variant type: single nucleotide variant.
Coding change: c.10026G>C on transcript NM_001164508.2 (MANE Select); coding-DNA position 10026, G replaced by C.
Protein change: p.Lys3342Asn; replaces lysine 3342 with asparagine.
Molecular consequence: missense variant.
Genome position (GRCh38, 1-based): chr2:151,627,640, C>G on the plus strand (G>C on the coding strand, the complement: NEB is on the minus strand). VCF-style: chr2-151627640-C-G. GRCh37 (hg19) VCF-style: chr2-152484154-C-G.
Other names: c.10026G>C, p.Lys3342Asn (NM_001164507.2, NM_001271208.2); c.9297G>C, p.Lys3099Asn (NM_004543.5); short protein forms K3342N, K3099N.
Identifiers: ClinVar variation 568797 (VCV000568797.11), dbSNP rs117636679, ClinGen allele CA1909141.